The following is an entry in ClinVar:

ClinVar aggregate classification (germline): Benign. Review status: criteria provided, multiple submitters, no conflicts (2 of 4 stars). 2 submissions from 2 submitters: Benign (2). Last evaluated 2017-04-27.

Conditions:
Cone dystrophy with supernormal rod response (CDSRR). Also called: CONE DYSTROPHY WITH SUPERNORMAL ROD RESPONSES. Identifiers: Orphanet 209932, MedGen C1835897, MONDO:0012475, OMIM 610356.

Allele frequency attached by ClinVar (database versions not stated): TOPMed 0.16425; gnomAD 0.16561 and 0.17349; 1000 Genomes Project 30x 0.19129; 1000 Genomes Project 0.19728.
gnomAD v4.1: 339,335 of 1,604,192 alleles (21%); highest among the groups gnomAD compares: South Asian, 37%; 38,762 homozygotes.

Submissions (2):

Illumina Laboratory Services, Illumina
Classification: Benign for Cone dystrophy with supernormal rod response. Last evaluated: 2017-04-27. Review status: criteria provided, single submitter. Criteria: ICSL Variant Classification Criteria 13 December 2019. Collection method: clinical testing. Allele origin: germline.
Comment: This variant was observed as part of a predisposition screen in an ostensibly healthy population. A literature search was performed for the gene, cDNA change, and amino acid change (where applicable). No publications were found based on this search. Allele frequency data from public databases was too high to be consistent with this variant causing disease. Therefore, this variant is classified as benign.

Breakthrough Genomics
Classification: Benign. Review status: criteria provided, single submitter. Criteria: ACMG Guidelines, 2015. Collection method: not provided. Allele origin: germline. Inheritance: Autosomal recessive inheritance. Affected: yes.

NM_133497.4(KCNV2):c.-64T>G

Gene: KCNV2 (potassium voltage-gated channel modifier subfamily V member 2; plus strand). Cytogenetic location: 9p24.2.
Variant type: single nucleotide variant.
Coding change: c.-64T>G on transcript NM_133497.4 (MANE Select); 64 bases upstream of the start codon, T replaced by G.
Molecular consequence: 5 prime UTR variant.
Genome position (GRCh38, 1-based): chr9:2,717,676, T>G. VCF-style: chr9-2717676-T-G. GRCh37 (hg19) VCF-style: chr9-2717676-T-G.
Identifiers: ClinVar variation 366402 (VCV000366402.6), dbSNP rs11793555, ClinGen allele CA10633347.
Genomic context (GRCh38, chr9:2,717,676, plus strand): 5'-TGGTCCGGGCTGGCCTCTCTAAGACAGTGCAGGCCACGTGATCCATCCTCCTAGAGGCAG[T>G]GAGCAGGTGAGGGACCCCTACCACAGCCAGGAGGAAAAAGCTAGGCGTCCACTTTCCGCA-3'